The following is an entry in ClinVar:

NM_001370259.2(MEN1):c.658T>C (p.Trp220Arg)

Gene: MEN1 (menin 1; minus strand). Cytogenetic location: 11q13.1.
Variant type: single nucleotide variant.
Coding change: c.658T>C on transcript NM_001370259.2 (MANE Select); coding-DNA position 658, T replaced by C.
Protein change: p.Trp220Arg; replaces tryptophan 220 with arginine.
Molecular consequence: missense variant.
Genome position (GRCh38, 1-based): chr11:64,807,677, A>G on the plus strand (T>C on the coding strand, the complement: MEN1 is on the minus strand). VCF-style: chr11-64807677-A-G. GRCh37 (hg19) VCF-style: chr11-64575149-A-G.
Other names: c.673T>C, p.Trp225Arg (NM_000244.4, NM_130800.3, NM_130801.3 and 3 more transcripts); c.658T>C, p.Trp220Arg (NM_001370251.2, NM_001370260.2, NM_001370261.2 and 1 more transcripts); c.553T>C, p.Trp185Arg (NM_001370262.2, NM_001370263.2); short protein forms W220R, W225R, W185R.
Identifiers: ClinVar variation 427122 (VCV000427122.5), dbSNP rs1085307971, ClinGen allele CA381185239.

ClinVar aggregate classification (germline): Likely pathogenic. Review status: criteria provided, multiple submitters, no conflicts (2 of 4 stars). 2 submissions from 2 submitters: Likely pathogenic (2). Last evaluated 2019-03-28.

Conditions:
Hereditary cancer-predisposing syndrome. Also called: Hereditary Cancer Syndrome; Neoplastic Syndromes, Hereditary; Hereditary neoplastic syndrome; Tumor predisposition. Identifiers: Orphanet 140162, MedGen C0027672, MeSH D009386, MONDO:0015356.

Submissions (2):

Ambry Genetics
Classification: Likely pathogenic for Hereditary cancer-predisposing syndrome. Last evaluated: 2019-03-28. Review status: criteria provided, single submitter. Criteria: Ambry Variant Classification Scheme 2023. Collection method: clinical testing. Allele origin: germline.
Comment: The p.W220R variant (also known as c.658T>C), located in coding exon 3 of the MEN1 gene, results from a T to C substitution at nucleotide position 658. The tryptophan at codon 220 is replaced by arginine, an amino acid with dissimilar properties. Based on internal structural analysis, this variant is predicted to be disruptive to the protein (Ambry internal data). This amino acid position is highly conserved in available vertebrate species. In addition, this alteration is predicted to be deleterious by in silico analysis. Based on the majority of available evidence to date, this variant is likely to be pathogenic.

GeneDx
Classification: Likely pathogenic. Last evaluated: 2015-05-28. Review status: criteria provided, single submitter. Criteria: GeneDx Variant Classification (06012015). Collection method: clinical testing. Allele origin: germline. Affected: yes.
Comment: The W220R variant has not been published as a pathogenic variant, nor has it been reported as a benign polymorphism to our knowledge. The W220R variant was not observed in approximately 6,500 individuals of European and African American ancestry in the NHLBI Exome Sequencing Project, indicating it is not a common benign variant in these populations. The W220R variant is a non-conservative amino acid substitution, which is likely to impact secondary protein structure as these residues differ in polarity, charge, size and/or other properties. This substitution occurs at a position that is conserved across species. In silico analysis predicts this variant is probably damaging to the protein structure/function. Missense variants in the same residue (W220S, W220L) and in nearby residues (L223P) have been reported in the Human Gene Mutation Database in association with MEN (Stenson et al., 2014), supporting the functional importance of this region of the protein. Therefore, this variant is a strong candidate for a pathogenic variant, however the possibility that it is a benign variant cannot be excluded

Literature cited by the submitters: PubMed 18084346 (cited by Ambry Genetics); PubMed 21819486 (cited by Ambry Genetics); PubMed 28870973 (cited by Ambry Genetics).